The following is an entry in ClinVar:

ClinVar aggregate classification (germline): Pathogenic/Likely pathogenic. Review status: criteria provided, multiple submitters, no conflicts (2 of 4 stars). 21 submissions from 21 submitters: Pathogenic (15); Likely pathogenic (5). 1 of the submissions does not count toward it. Last evaluated 2026-03-12.

Conditions:
Cardiovascular phenotype. Identifiers: MedGen CN230736.
MYBPC3-related disorder. Also called: MYBPC3-related disorders; MYBPC3-related condition; MYBPC3-related disease.
Hypertrophic cardiomyopathy. Also called: HYPERTROPHIC MYOCARDIOPATHY. Identifiers: Orphanet 217569, MedGen C0007194, MeSH D002312, MONDO:0005045, HP:0001639.
Tachycardia. Identifiers: MedGen C0039231, HP:0001649.
Asymmetric septal hypertrophy. Identifiers: MedGen C0205700, HP:0001670.
Heart block. Identifiers: MedGen C0018794, HP:0012722, MONDO:0020755.
Premature ventricular contraction. Also called: Ventricular extrasystoles. Identifiers: MedGen C0151636, HP:0006682.
Dyspnea. Also called: dyspnoea. Identifiers: MedGen C0013404, HP:0002094.
Noncompaction cardiomyopathy. Identifiers: MedGen C1839832, HP:0012817.
Left ventricular noncompaction 10 (LVNC10). Identifiers: Orphanet 154, Orphanet 54260, MedGen C3715165, MONDO:0014163, OMIM 615396.
Hypertrophic cardiomyopathy 4. Also called: Familial hypertrophic cardiomyopathy 4. Identifiers: MedGen C1861862, MONDO:0007268, OMIM 115197.
Cardiomyopathy (CMYO). Also called: Cardiomyopathies. Identifiers: Orphanet 167848, MedGen C0878544, MONDO:0004994, HP:0001638. Inheritance: Various modes of inheritance.
Primary familial hypertrophic cardiomyopathy (HCM). Identifiers: Orphanet 99739, MedGen C0949658, MeSH D024741, MONDO:0024573. Inheritance: Various modes of inheritance.

Allele frequency attached by ClinVar (database versions not stated): gnomAD exomes 0.00001 and 0.00002; TOPMed 0.00001; ExAC 0.00002.
gnomAD v4.1: 9 of 1,599,840 alleles (0.00056%); highest among the groups gnomAD compares: South Asian, 0.0022%; no homozygotes.

Submissions 1 to 8 of 21:

PreventionGenetics, part of Exact Sciences
Classification: Pathogenic for MYBPC3-related condition. Last evaluated: 2026-03-12. Review status: criteria provided, single submitter. Criteria: ACMG Guidelines, 2015. Collection method: clinical testing. Allele origin: germline.
Comment: The MYBPC3 c.3190+5G>A variant is predicted to interfere with splicing. This variant has been reported in heterozygous state in absence of second MYBPC3 variant in multiple individuals with hypertrophic cardiomyopathy (see for example - IVS29+5G>A in Additional File 1, Rodríguez-García et al. 2010. PubMed ID: 20433692; Singer et al. 2019. PubMed ID: 30645170; Jääskeläinen et al. 2019. PubMed ID: 30775854). A minigene assay found that this variant results in exon skipping and premature protein termination (Crehalet et al. 2012. doi 10.4081/cardiogenetics.2012.e6). Another study using the venous blood sample of an affected individual showed no evidence of aberrant splicing, although it was not clear whether the aberrant mRNA undergoes nonsense-mediated decay (Supplementary Figure 1B, Singer et al. 2019. PubMed ID: 30645170). This variant is reported in 0.0065% of alleles in individuals of African descent in gnomAD. In ClinVar, this variant has been interpreted as likely pathogenic/pathogenic (Variation ID: 155808). This variant is interpreted as pathogenic.

Labcorp Genetics (formerly Invitae), Labcorp
Classification: Pathogenic for Hypertrophic cardiomyopathy. Last evaluated: 2026-01-18. Review status: criteria provided, single submitter. Criteria: Invitae Variant Classification Sherloc (09022015). Collection method: clinical testing. Allele origin: germline.
Comment: This sequence change falls in intron 29 of the MYBPC3 gene. It does not directly change the encoded amino acid sequence of the MYBPC3 protein. It affects a nucleotide within the consensus splice site. This variant is present in population databases (rs587782958, gnomAD 0.007%). This variant has been observed in individuals with clinical features of hypertrophic cardiomyopathy (PMID: 20433692, 20800588, 30645170, 30775854). ClinVar contains an entry for this variant (Variation ID: 155808). Variants that disrupt the consensus splice site are a relatively common cause of aberrant splicing (PMID: 17576681, 9536098). Studies have shown that this variant alters mRNA splicing and is expected to lead to the loss of protein expression (DOI 10.4081/cardiogenetics.2012.e6). For these reasons, this variant has been classified as Pathogenic.

Victorian Clinical Genetics Services, Murdoch Childrens Research Institute
Classification: Pathogenic for Hypertrophic cardiomyopathy 4. Last evaluated: 2025-12-05. Review status: criteria provided, single submitter. Criteria: ACMG Guidelines, 2015. Collection method: clinical testing. Allele origin: germline.
Comment: This variant is classified as Pathogenic. Evidence in support of pathogenic classification: Splice site variant proven to affect splicing of the transcript with uncertain effect on protein sequence. Functional studies using minigene assays showed this variant resulted in transcripts lacking exon 29 with no or very little residual transcript with normal splicing (Crehalet, H. et al. (2012); PMID: 28679633). Crehalet and colleagues reported that the aberrantly spliced transcript would probably be degraded via nonsense-mediated decay; Variant is present in gnomAD <0.001 for a dominant condition (v4: 9 heterozygote(s), 0 homozygote(s)). - This variant has strong previous evidence of pathogenicity in unrelated individuals. It has been frequently reported as pathogenic, including as monoallelic in unrelated individuals with hypertrophic cardiomyopathy (ClinVar; Crehalet, H. et al. (2012); PMIDs: 20433692, 30645170, 31028938). Additional information: This variant is heterozygous; This gene is associated with both recessive and dominant disease. Dominant inheritance is frequently reported in adult onset conditions and recessive inheritance results in a more severe early onset phenotype (OMIM); Loss of function is a known mechanism of disease in this gene and is associated with hypertrophic cardiomyopathy 4 (MIM#115197); Variants in this gene are known to have variable expressivity (PMID: 32841044); Inheritance information for this variant is not currently available in this individual.

Color Diagnostics, LLC DBA Color Health
Classification: Pathogenic for Cardiomyopathy. Last evaluated: 2025-10-14. Review status: criteria provided, single submitter. Criteria: ACMG Guidelines, 2015. Collection method: clinical testing. Allele origin: germline.
Comment: This variant causes a G to A nucleotide substitution at the +5 position of intron 29 of the MYBPC3 gene. This variant is also known as IVS29+5G>A in the literature. In a minigene splicing assay, this variant has been shown to alter mRNA splicing by causing exon 29 skipping, which is expected to result in loss of function by premature protein truncation or nonsense-mediated mRNA decay (PMID: 28679633Crehalet et al., 2012, DOI 10.4081/cardiogenetics.2012.e6). Another study using the RNA sample derived from a carrier individual's peripheral blood cells has shown no abnormal splicing (PMID: 30645170), however, authors did not comment on the possibility of RNA degradation in their assay. This variant has been reported in more than 20 unrelated individuals affected with hypertrophic cardiomyopathy from various populations (PMID: 20433692, 20800588, 23283745, 25351510, 28138913, 28615295, 28679633, 30775854, 31028938, Crehalet et al., 2012, Burns, 2019). This variant has been shown to segregate with disease in multiple individuals across 4 families (PMID: 20433692, 30645170communication with an external laboratoryClinVar SCV000203979.6). This variant has been identified in 9/1447474 chromosomes in the general population by the Genome Aggregation Database (gnomAD). Loss of MYBPC3 function is a known mechanism of disease. Based on the available evidence, this variant is classified as Pathogenic.

3billion
Classification: Pathogenic for Hypertrophic cardiomyopathy 4. Last evaluated: 2025-06-12. Review status: criteria provided, single submitter. Criteria: ACMG Guidelines, 2015. Collection method: clinical testing. Allele origin: germline. Affected: yes.
Comment: The variant is observed at an extremely low frequency in the gnomAD v4.1.0 dataset (total allele frequency: <0.001%). Predicted Consequence/Location: Intron variant: previously reported to alter splicing and result in a loss of normal protein function through nonsense-mediated decay (NMD) or protein truncation (N/A). In silico tools predict the variant to alter splicing and produce an abnormal transcript [SpliceAI: 0.85 (spliceogenicity >=0.2, non-spliceogenicity <0.1)]. Intron variant: previously reported to alter splicing and result in a loss of normal protein function through nonsense-mediated decay (NMD) or protein truncation (N/A). Therefore, this variant is classified as Pathogenic according to the recommendation of ACMG/AMP guideline.

CeGaT Center for Human Genetics Tuebingen
Classification: Likely pathogenic. Last evaluated: 2025-04-01. Review status: criteria provided, single submitter. Criteria: CeGaT Center For Human Genetics Tuebingen Variant Classification Criteria Version 2. Collection method: clinical testing. Allele origin: germline. Affected: yes. Observed: 2 variant alleles.
Comment: MYBPC3: PS4, PM2, PP3

Ambry Genetics
Classification: Pathogenic for Cardiovascular phenotype. Last evaluated: 2025-03-24. Review status: criteria provided, single submitter. Criteria: Ambry Variant Classification Scheme 2023. Collection method: clinical testing. Allele origin: germline.
Comment: The c.3190+5G>A intronic pathogenic mutation results from a G to A substitution 5 nucleotides after coding exon 29 in the MYBPC3 gene. This variant was identified in one or more individuals with features consistent with hypertrophic cardiomyopathy and segregated with disease in at least one family (Millat G et al Clin Chim Acta. 2010 Dec; 411(23-24):1983-91; Rodr&iacute;guez-Garc&iacute;a MI et al. BMC Med Genet. 2010; 11():67; Zou Y et al. Mol Biol Rep. 2013 Jun; 40(6):3969-76). In vitro studies indicated that this variant causes exon 29 skipping, which is expected to result in loss of function by premature protein truncation or nonsense-mediated mRNA decay (Crehalet H et al. Cardiogenetics. 2012 May; 2:e6; Ito K et al. Proc. Natl. Acad. Sci. U.S.A., 2017 07;114:7689-7694). This nucleotide position is highly conserved in available vertebrate species. In silico splice site analysis predicts that this alteration will weaken the native splice donor site. Based on the supporting evidence, this alteration is interpreted as a disease-causing mutation.

Blueprint Genetics
Classification: Pathogenic for MYBPC3-related disorders. Last evaluated: 2024-10-24. Review status: criteria provided, single submitter. Criteria: ACMG Guidelines, 2015. Collection method: clinical testing. Allele origin: germline. Affected: yes. Observed: 5 variant alleles.

NM_000256.3(MYBPC3):c.3190+5G>A

Gene: MYBPC3 (myosin binding protein C3; minus strand). Cytogenetic location: 11p11.2.
Variant type: single nucleotide variant.
Coding change: c.3190+5G>A on transcript NM_000256.3 (MANE Select); 5 bases into the intron after coding-DNA position 3190, G replaced by A.
Molecular consequence: intron variant.
Genome position (GRCh38, 1-based): chr11:47,333,552, C>T on the plus strand (G>A on the coding strand, the complement: MYBPC3 is on the minus strand). VCF-style: chr11-47333552-C-T. GRCh37 (hg19) VCF-style: chr11-47355103-C-T.
Identifiers: ClinVar variation 155808 (VCV000155808.88), dbSNP rs587782958, ClinGen allele CA013639.